The following is an entry in ClinVar:

NM_001025356.3(ANO6):c.2686C>T (p.Arg896Trp)

Gene: ANO6 (anoctamin 6; plus strand). Cytogenetic location: 12q12.
Variant type: single nucleotide variant.
Coding change: c.2686C>T on transcript NM_001025356.3 (MANE Select); coding-DNA position 2686, C replaced by T.
Protein change: p.Arg896Trp; replaces arginine 896 with tryptophan.
Molecular consequence: missense variant. On other transcripts: intron variant (1).
Genome position (GRCh38, 1-based): chr12:45,429,264, C>T. VCF-style: chr12-45429264-C-T. GRCh37 (hg19) VCF-style: chr12-45823047-C-T.
Other names: p.Arg896Trp; c.2632C>T, p.Arg878Trp (NM_001142678.2); c.2749C>T, p.Arg917Trp (NM_001204803.2); c.2653C>T, p.Arg885Trp (NM_001410973.1); c.2526+6202C>T (NM_001142679.2); short protein forms R885W, R917W, R878W, R896W.
Identifiers: ClinVar variation 2055436 (VCV002055436.5), dbSNP rs758435453, ClinGen allele CA6525693.

ClinVar aggregate classification (germline): Conflicting classifications of pathogenicity. Review status: criteria provided, conflicting classifications (1 of 4 stars). 2 submissions from 2 submitters: Uncertain significance (1); Benign (1). Last evaluated 2025-12-12.

Allele frequency attached by ClinVar (database versions not stated): TOPMed 0.00017; gnomAD 0.00005.
gnomAD v4.1: 132 of 1,613,554 alleles (0.0082%); highest among the groups gnomAD compares: Admixed American, 0.12%; no homozygotes.

Submissions (2):

Labcorp Genetics (formerly Invitae), Labcorp
Classification: Benign. Last evaluated: 2025-12-12. Review status: criteria provided, single submitter. Criteria: Invitae Variant Classification Sherloc (09022015). Collection method: clinical testing. Allele origin: germline.

Mayo Clinic Laboratories, Mayo Clinic
Classification: Uncertain significance. Last evaluated: 2025-09-02. Review status: criteria provided, single submitter. Criteria: ACMG Guidelines, 2015. Collection method: clinical testing. Allele origin: germline. Observed: 2 variant alleles.
Comment: BP4